The following is an entry in ClinVar:

NM_000824.5(GLRB):c.1414C>T (p.Arg472Ter)

Gene: GLRB (glycine receptor beta; plus strand). Cytogenetic location: 4q32.1.
Variant type: single nucleotide variant.
Coding change: c.1414C>T on transcript NM_000824.5 (MANE Select); coding-DNA position 1414, C replaced by T.
Protein change: p.Arg472Ter; replaces arginine 472 with a stop codon.
Molecular consequence: nonsense. On other transcripts: 3 prime UTR variant (1).
Genome position (GRCh38, 1-based): chr4:157,170,648, C>T. VCF-style: chr4-157170648-C-T. GRCh37 (hg19) VCF-style: chr4-158091800-C-T.
Other names: p.Arg472Ter; c.1414C>T, p.Arg472Ter (NM_001166060.2); c.*209C>T (NM_001166061.2); short protein forms R472*.
Identifiers: ClinVar variation 2252581 (VCV002252581.7), dbSNP rs570886685, ClinGen allele CA3120017.

ClinVar aggregate classification (germline): Conflicting classifications of pathogenicity. Review status: criteria provided, conflicting classifications (1 of 4 stars). 3 submissions from 3 submitters: Likely pathogenic (2); Uncertain significance (1). Last evaluated 2024-12-17.

Conditions:
Inborn genetic diseases. Identifiers: MedGen C0950123, MeSH D030342.
Hyperekplexia 2 (HKPX2). Identifiers: Orphanet 3197, MedGen C3553291, MONDO:0013828, OMIM 614619.

Allele frequency attached by ClinVar (database versions not stated): ExAC 0.00001.
gnomAD v4.1: 3 of 1,610,336 alleles (0.00019%); highest among the groups gnomAD compares: Non-Finnish European, 0.00025%; no homozygotes.

Submissions (3):

Labcorp Genetics (formerly Invitae), Labcorp
Classification: Likely pathogenic for Hyperekplexia 2. Last evaluated: 2024-12-17. Review status: criteria provided, single submitter. Criteria: Invitae Variant Classification Sherloc (09022015). Collection method: clinical testing. Allele origin: germline.
Comment: This sequence change creates a premature translational stop signal (p.Arg472*) in the GLRB gene. While this is not anticipated to result in nonsense mediated decay, it is expected to disrupt the last 26 amino acid(s) of the GLRB protein. This variant is not present in population databases (gnomAD no frequency). This premature translational stop signal has been observed in individuals with hyperekplexia (PMID: 23184146; internal data). This variant is also known as R450X. ClinVar contains an entry for this variant (Variation ID: 2252581). This variant disrupts a region of the GLRB protein in which other variant(s) (p.Tyr492Cys) have been observed in individuals with GLRB-related conditions (PMID: 23184146). This suggests that this is a clinically significant region of the protein, and that variants that disrupt it are likely to be disease-causing. In summary, the currently available evidence indicates that the variant is pathogenic, but additional data are needed to prove that conclusively. Therefore, this variant has been classified as Likely Pathogenic.

Ambry Genetics
Classification: Uncertain significance for Inborn genetic diseases. Last evaluated: 2021-11-03. Review status: criteria provided, single submitter. Criteria: Ambry Variant Classification Scheme 2023. Collection method: clinical testing. Allele origin: germline.
Comment: The c.1414C>T (p.R472*) alteration, located in exon 10 (coding exon 9) of the GLRB gene, consists of a C to T substitution at nucleotide position 1414. This changes the amino acid from a arginine (R) to a stop codon at amino acid position 472. Premature stop codons are typically deleterious in nature (Richards, 2015). Based on insufficient or conflicting evidence, the clinical significance of this alteration remains unclear.

Breakthrough Genomics
Classification: Likely pathogenic for Hyperekplexia 2. Last evaluated: 2020-04-03. Review status: criteria provided, single submitter. Criteria: ACMG Guidelines, 2015. Collection method: clinical testing. Allele origin: germline. Affected: yes.
Comment: Functional analysis of the variant in the same study suggested that the variant has reduced cell-surface protein expression compared with wild type [PMID: 23184146].

Literature cited by the submitters: PubMed 23184146 (cited by Labcorp Genetics (formerly Invitae), Labcorp and Ambry Genetics).